The following is an entry in ClinVar:

NM_182493.3(MYLK3):c.398A>C (p.Gln133Pro)

Gene: MYLK3 (myosin light chain kinase 3; minus strand). Cytogenetic location: 16q11.2.
Variant type: single nucleotide variant.
Coding change: c.398A>C on transcript NM_182493.3 (MANE Select); coding-DNA position 398, A replaced by C.
Protein change: p.Gln133Pro; replaces glutamine 133 with proline.
Molecular consequence: missense variant. On other transcripts: intron variant (1).
Genome position (GRCh38, 1-based): chr16:46,747,796, T>G on the plus strand (A>C on the coding strand, the complement: MYLK3 is on the minus strand). VCF-style: chr16-46747796-T-G. GRCh37 (hg19) VCF-style: chr16-46781708-T-G.
Other names: c.-113-7649A>C (NM_001308301.1); short protein forms Q133P.
Identifiers: ClinVar variation 4777423 (VCV004777423.1).

ClinVar aggregate classification (germline): Uncertain significance (1 of 4 stars; one submission).

Submission:

Labcorp Genetics (formerly Invitae), Labcorp
Classification: Uncertain significance. Last evaluated: 2025-05-04. Review status: criteria provided, single submitter. Criteria: Invitae Variant Classification Sherloc (09022015). Collection method: clinical testing. Allele origin: germline.
Comment: This sequence change replaces glutamine, which is neutral and polar, with proline, which is neutral and non-polar, at codon 133 of the MYLK3 protein (p.Gln133Pro). This variant is not present in population databases (gnomAD no frequency). This variant has not been reported in the literature in individuals affected with MYLK3-related conditions. An algorithm developed to predict the effect of missense changes on protein structure and function (PolyPhen-2) suggests that this variant is likely to be disruptive. In summary, the available evidence is currently insufficient to determine the role of this variant in disease. Therefore, it has been classified as a Variant of Uncertain Significance.